The following is an entry in ClinVar:

ClinVar aggregate classification (germline): Pathogenic (1 of 4 stars; one submission).

Conditions:
Neurofibromatosis, type 1 (NF1). Also called: VON RECKLINGHAUSEN DISEASE; NEUROFIBROMATOSIS, TYPE I, SOMATIC; Peripheral type neurofibromatosis; Neurofibromatosis, type I. Identifiers: Orphanet 636, MedGen C0027831, MONDO:0018975, OMIM 162200. Disease mechanism: loss of function.

Submission:

Labcorp Genetics (formerly Invitae), Labcorp
Classification: Pathogenic for Neurofibromatosis, type 1. Last evaluated: 2017-12-08. Review status: criteria provided, single submitter. Criteria: Invitae Variant Classification Sherloc (09022015). Collection method: clinical testing. Allele origin: germline.
Comment: For these reasons, this variant has been classified as Pathogenic. Loss-of-function variants in NF1 are known to be pathogenic (PMID: 10712197, 23913538). This variant has been reported in an individual in the Leiden Open-source Variation Database (PMID: 21520333). This variant is not present in population databases (ExAC no frequency). This sequence change creates a premature translational stop signal (p.Glu1344*) in the NF1 gene. It is expected to result in an absent or disrupted protein product.

Literature cited by the submitters: PubMed 10712197; PubMed 23913538; PubMed 21520333.

NM_001042492.3(NF1):c.4030G>T (p.Glu1344Ter)

Gene: NF1 (neurofibromin 1; plus strand). Cytogenetic location: 17q11.2.
Variant type: single nucleotide variant.
Coding change: c.4030G>T on transcript NM_001042492.3 (MANE Select); coding-DNA position 4030, G replaced by T.
Protein change: p.Glu1344Ter; replaces glutamic acid 1344 with a stop codon.
Molecular consequence: nonsense.
Genome position (GRCh38, 1-based): chr17:31,249,039, G>T. VCF-style: chr17-31249039-G-T. GRCh37 (hg19) VCF-style: chr17-29576057-G-T.
Other names: c.4030G>T, p.Glu1344Ter (NM_000267.4); short protein forms E1344*.
Identifiers: ClinVar variation 527464 (VCV000527464.4), dbSNP rs1555617328, ClinGen allele CA398994927.